The following is an entry in ClinVar:

NM_001267550.2(TTN):c.85150C>T (p.Arg28384Ter)

Genes: TTN (titin; minus strand), TTN-AS1 (TTN antisense RNA 1; plus strand). Cytogenetic location: 2q31.2.
Variant type: single nucleotide variant.
Coding change: c.85150C>T on transcript NM_001267550.2 (MANE Select); coding-DNA position 85150, C replaced by T.
Protein change: p.Arg28384Ter; replaces arginine 28384 with a stop codon.
Molecular consequence: nonsense.
Genome position (GRCh38, 1-based): chr2:178,560,982, G>A on the plus strand (C>T on the coding strand, the complement: TTN is on the minus strand). VCF-style: chr2-178560982-G-A. GRCh37 (hg19) VCF-style: chr2-179425709-G-A.
Other names: c.80227C>T, p.Arg26743Ter (NM_001256850.1); c.57955C>T, p.Arg19319Ter (NM_003319.4); c.77446C>T, p.Arg25816Ter (NM_133378.4); c.58330C>T, p.Arg19444Ter (NM_133432.3); c.58531C>T, p.Arg19511Ter (NM_133437.4); c.85150C>T (NM_001267550.1); short protein forms R19511*, R26743*, R19319*, R25816*, R19444*, R28384*.
Identifiers: ClinVar variation 863984 (VCV000863984.14), dbSNP rs1703437679, ClinGen allele CA349555434.

ClinVar aggregate classification (germline): Pathogenic/Likely pathogenic. Review status: criteria provided, multiple submitters, no conflicts (2 of 4 stars). 5 submissions from 5 submitters: Pathogenic (1); Likely pathogenic (4). Last evaluated 2025-12-17.

Conditions:
TTN-related disorder. Also called: TTN-related disorders; TTN-related condition; TTN-related disease.
Cardiovascular phenotype. Identifiers: MedGen CN230736.
Dilated cardiomyopathy 1G (CMD1G). Identifiers: Orphanet 154, MedGen C1858763, MONDO:0011400, OMIM 604145.
Autosomal recessive limb-girdle muscular dystrophy type 2J (LGMDR10). Also called: MUSCULAR DYSTROPHY, LIMB-GIRDLE, AUTOSOMAL RECESSIVE 10; Limb-girdle muscular dystrophy, type 2J. Identifiers: Orphanet 140922, MedGen C1837342, MONDO:0012127, OMIM 608807.

Allele frequency attached by ClinVar (database versions not stated): TOPMed below 0.00001.

Submissions (5):

Clinical Genetics Laboratory, Skane University Hospital Lund
Classification: Pathogenic for Dilated cardiomyopathy 1G. Last evaluated: 2025-12-17. Review status: criteria provided, single submitter. Criteria: ACMG Guidelines, 2015. Collection method: clinical testing. Allele origin: germline. Affected: yes.
Comment: ACMG criteria used: PVS1, PS4_Supporting, PM2

Labcorp Genetics (formerly Invitae), Labcorp
Classification: Likely pathogenic for Dilated cardiomyopathy 1G; Autosomal recessive limb-girdle muscular dystrophy type 2J. Last evaluated: 2025-08-18. Review status: criteria provided, single submitter. Criteria: Invitae Variant Classification Sherloc (09022015). Collection method: clinical testing. Allele origin: germline.
Comment: This sequence change creates a premature translational stop signal (p.Arg28384*) in the TTN gene. While this is not anticipated to result in nonsense mediated decay, it is expected to create a truncated TTN protein. This variant is not present in population databases (gnomAD no frequency). This premature translational stop signal has been observed in individual(s) with dilated cardiomyopathy (PMID: 25163546; internal data). This variant is also known as c.58531C>T, p.R19511X. ClinVar contains an entry for this variant (Variation ID: 863984). This variant is located in the A band of TTN (PMID: 25589632). Truncating variants in this region are significantly overrepresented in patients affected with dilated cardiomyopathy (PMID: 25589632). Truncating variants in this region have also been reported in individuals affected with autosomal recessive centronuclear myopathy (PMID: 23975875). In summary, the currently available evidence indicates that the variant is pathogenic, but additional data are needed to prove that conclusively. Therefore, this variant has been classified as Likely Pathogenic.

Blueprint Genetics
Classification: Likely pathogenic for TTN-related disorders. Last evaluated: 2023-03-02. Review status: criteria provided, single submitter. Criteria: ACMG Guidelines, 2015. Collection method: clinical testing. Allele origin: germline. Affected: yes. Observed: 1 variant allele.

GeneDx
Classification: Likely pathogenic. Last evaluated: 2022-12-01. Review status: criteria provided, single submitter. Criteria: GeneDx Variant Classification Process June 2021. Collection method: clinical testing. Allele origin: germline. Affected: yes.
Comment: Reported in a patient with dilated cardiomyopathy (DCM) in published literature (Haas et al., 2015); Not observed at significant frequency in large population cohorts (gnomAD); Nonsense variant predicted to result in protein truncation or nonsense mediated decay in a gene for which loss of function is a known mechanism of disease; Located in the A-band region of TTN in which the majority of loss of function variants have been associated with autosomal dominant titinopathies (Herman et al., 2012); This variant is associated with the following publications: (PMID: 33432171, 25163546, 22335739)

Ambry Genetics
Classification: Likely pathogenic for Cardiovascular phenotype. Last evaluated: 2022-04-18. Review status: criteria provided, single submitter. Criteria: Ambry Variant Classification Scheme 2023. Collection method: clinical testing. Allele origin: germline.
Comment: The p.R19319* variant (also known as c.57955C>T), located in coding exon 153 of the TTN gene, results from a C to T substitution at nucleotide position 57955. This changes the amino acid from an arginine to a stop codon within coding exon 153. This exon is located in the A-band region of the N2-B isoform of the titin protein and is constitutively expressed in TTN transcripts (percent spliced in or PSI 100%). This alteration has been reported in a dilated cardiomyopathy cohort and a whole exome sequencing cohort; however, clinical details were limited in both cases (Haas J et al. Eur Heart J, 2015 May;36:1123-35a; Park J et al. Nat Med, 2021 01;27:66-72). This variant is considered to be rare based on population cohorts in the Genome Aggregation Database (gnomAD). In addition, this alteration is expected to result in loss of function by premature protein truncation or nonsense-mediated mRNA decay. While truncating variants in TTN are present in 1-3% of the general population, truncating variants in the A-band are the most common cause of dilated cardiomyopathy (DCM) (Herman DS et al. N. Engl. J. Med., 2012 Feb;366:619-28; Roberts AM et al. Sci Transl Med, 2015 Jan;7:270ra6). TTN truncating variants encoded in constitutive exons (PSI >90%) have been found to be significantly associated with DCM regardless of their position in titin (Schafer S et al. Nat. Genet., 2017 01;49:46-53). As such, this alteration is classified as likely pathogenic.

Literature cited by the submitters: PubMed 25163546 (cited by Labcorp Genetics (formerly Invitae), Labcorp and Ambry Genetics); PubMed 25589632 (cited by Labcorp Genetics (formerly Invitae), Labcorp); PubMed 23975875 (cited by Labcorp Genetics (formerly Invitae), Labcorp); PubMed 33432171 (cited by Ambry Genetics).